The following is an entry in ClinVar:

ClinVar aggregate classification (germline): Likely benign. Review status: criteria provided, single submitter (1 of 4 stars). 2 submissions from 2 submitters: Likely benign (1). 1 of the submissions does not count toward it. Last evaluated 2026-01-05.

Conditions:
BMPER-related disorder. Also called: BMPER-related condition.

Allele frequency attached by ClinVar (database versions not stated): gnomAD 0.00003; TOPMed 0.00003; ExAC 0.00005; gnomAD exomes 0.00006.
gnomAD v4.1: 98 of 1,614,028 alleles (0.0061%); highest among the groups gnomAD compares: South Asian, 0.018%; no homozygotes.

Submissions (2):

Labcorp Genetics (formerly Invitae), Labcorp
Classification: Likely benign. Last evaluated: 2026-01-05. Review status: criteria provided, single submitter. Criteria: Invitae Variant Classification Sherloc (09022015). Collection method: clinical testing. Allele origin: germline.

PreventionGenetics, part of Exact Sciences
Classification: Likely benign for BMPER-related condition. Last evaluated: 2019-09-05. Review status: no assertion criteria provided. Collection method: clinical testing. Allele origin: germline. Not counted in ClinVar's aggregate classification.
Comment: This variant is classified as likely benign based on ACMG/AMP sequence variant interpretation guidelines (Richards et al. 2015 PMID: 25741868, with internal and published modifications).

NM_001365308.1(BMPER):c.255C>T (p.Pro85=)

Gene: BMPER (BMP binding endothelial regulator; plus strand). Cytogenetic location: 7p14.3.
Variant type: single nucleotide variant.
Coding change: c.255C>T on transcript NM_001365308.1 (MANE Select); coding-DNA position 255, C replaced by T.
Protein change: p.Pro85=; no amino-acid change (proline 85 retained).
Molecular consequence: synonymous variant.
Genome position (GRCh38, 1-based): chr7:33,937,324, C>T. VCF-style: chr7-33937324-C-T. GRCh37 (hg19) VCF-style: chr7-33976936-C-T.
Other names: c.255C>T, p.Pro85= (NM_001410872.1, NM_133468.5); c.255C>T (NM_133468.4).
Identifiers: ClinVar variation 1979106 (VCV001979106.6), dbSNP rs766925978, ClinGen allele CA4214987.